The following is an entry in ClinVar:

NM_001017420.3(ESCO2):c.1201C>A (p.Pro401Thr)

Gene: ESCO2 (establishment of sister chromatid cohesion N-acetyltransferase 2; plus strand). Cytogenetic location: 8p21.1.
Variant type: single nucleotide variant.
Coding change: c.1201C>A on transcript NM_001017420.3 (MANE Select); coding-DNA position 1201, C replaced by A.
Protein change: p.Pro401Thr; replaces proline 401 with threonine.
Molecular consequence: missense variant.
Genome position (GRCh38, 1-based): chr8:27,788,916, C>A. VCF-style: chr8-27788916-C-A. GRCh37 (hg19) VCF-style: chr8-27646433-C-A.
Other names: c.1201C>A (NM_001017420.2); short protein forms P401T.
Identifiers: ClinVar variation 1951180 (VCV001951180.6), dbSNP rs1477075006, ClinGen allele CA370824180.

ClinVar aggregate classification (germline): Uncertain significance. Review status: criteria provided, single submitter (1 of 4 stars). 2 submissions from 2 submitters: Uncertain significance (1). 1 of the submissions does not count toward it. Last evaluated 2021-12-23.

Conditions:
Roberts-SC phocomelia syndrome (RBS). Also called: ESCO2 Spectrum Disorder; Hypomelia hypotrichosis facial hemangioma syndrome; Pseudothalidomide syndrome; Appelt-Gerken-Lenz syndrome; LONG BONE DEFICIENCIES ASSOCIATED WITH CLEFT LIP-PALATE. Identifiers: Orphanet 3103, MedGen C0392475, MONDO:0100253, OMIM 268300.

Allele frequency attached by ClinVar (database versions not stated): TOPMed below 0.00001; gnomAD 0.00001.
gnomAD v4.1: 2 of 1,613,896 alleles (0.00012%); highest among the groups gnomAD compares: South Asian, 0.0011%; no homozygotes.

Submissions (2):

Labcorp Genetics (formerly Invitae), Labcorp
Classification: Uncertain significance. Last evaluated: 2021-12-23. Review status: criteria provided, single submitter. Criteria: Invitae Variant Classification Sherloc (09022015). Collection method: clinical testing. Allele origin: germline.
Comment: This sequence change replaces proline, which is neutral and non-polar, with threonine, which is neutral and polar, at codon 401 of the ESCO2 protein (p.Pro401Thr). This variant is present in population databases (no rsID available, gnomAD 0.0009%). This variant has not been reported in the literature in individuals affected with ESCO2-related conditions. Algorithms developed to predict the effect of missense changes on protein structure and function are either unavailable or do not agree on the potential impact of this missense change (SIFT: "Tolerated"; PolyPhen-2: "Probably Damaging"; Align-GVGD: "Class C0"). In summary, the available evidence is currently insufficient to determine the role of this variant in disease. Therefore, it has been classified as a Variant of Uncertain Significance.

Natera, Inc.
Classification: Uncertain significance for Roberts syndrome. Last evaluated: 2025-02-16. Review status: no assertion criteria provided. Collection method: clinical testing. Allele origin: germline. Not counted in ClinVar's aggregate classification.